The following is an entry in ClinVar:

NM_004525.3(LRP2):c.4087G>A (p.Glu1363Lys)

Gene: LRP2 (LDL receptor related protein 2; minus strand). Cytogenetic location: 2q31.1.
Variant type: single nucleotide variant.
Coding change: c.4087G>A on transcript NM_004525.3 (MANE Select); coding-DNA position 4087, G replaced by A.
Protein change: p.Glu1363Lys; replaces glutamic acid 1363 with lysine.
Molecular consequence: missense variant.
Genome position (GRCh38, 1-based): chr2:169,239,734, C>T on the plus strand (G>A on the coding strand, the complement: LRP2 is on the minus strand). VCF-style: chr2-169239734-C-T. GRCh37 (hg19) VCF-style: chr2-170096244-C-T.
Other names: short protein forms E1363K.
Identifiers: ClinVar variation 4781533 (VCV004781533.1).
Genomic context (GRCh38, chr2:169,239,734, plus strand): 5'-TGGCAAGTAAGAATCCCAATGGACATAGGCATTTAGCCCCAAAGGGCTCTTGAACACACT[C>T]GTGAGTACAACCACCATTGAAATCTGAGCAGCTGTTCCCATCTAGAAAAAAGAAAGAGAA-3'
Protein context (NP_004516.2, residues 1353-1373): CSDFNGGCTH[Glu1363Lys]CVQEPFGAKC

ClinVar aggregate classification (germline): Uncertain significance (1 of 4 stars; one submission).

gnomAD v4.1: 6 of 1,613,852 alleles (0.00037%); highest among the groups gnomAD compares: South Asian, 0.0055%; no homozygotes.

Submission:

Labcorp Genetics (formerly Invitae), Labcorp
Classification: Uncertain significance. Last evaluated: 2025-12-17. Review status: criteria provided, single submitter. Criteria: Invitae Variant Classification Sherloc (09022015). Collection method: clinical testing. Allele origin: germline.
Comment: This sequence change replaces glutamic acid, which is acidic and polar, with lysine, which is basic and polar, at codon 1363 of the LRP2 protein (p.Glu1363Lys). This variant is present in population databases (rs773696875, gnomAD 0.006%). This variant has not been reported in the literature in individuals affected with LRP2-related conditions. Invitae Evidence Modeling of protein sequence and biophysical properties (such as structural, functional, and spatial information, amino acid conservation, physicochemical variation, residue mobility, and thermodynamic stability) indicates that this missense variant is not expected to disrupt LRP2 protein function with a negative predictive value of 95%. In summary, the available evidence is currently insufficient to determine the role of this variant in disease. Therefore, it has been classified as a Variant of Uncertain Significance.